The following is an entry in ClinVar:

NM_006506.5(RASA2):c.503C>G (p.Thr168Ser)

Gene: RASA2 (RAS p21 protein activator 2; plus strand). Cytogenetic location: 3q23.
Variant type: single nucleotide variant.
Coding change: c.503C>G on transcript NM_006506.5 (MANE Select); coding-DNA position 503, C replaced by G.
Protein change: p.Thr168Ser; replaces threonine 168 with serine.
Molecular consequence: missense variant.
Genome position (GRCh38, 1-based): chr3:141,540,585, C>G. VCF-style: chr3-141540585-C-G. GRCh37 (hg19) VCF-style: chr3-141259427-C-G.
Other names: c.503C>G, p.Thr168Ser (NM_001303245.3, NM_001303246.3); short protein forms T168S.
Identifiers: ClinVar variation 3225609 (VCV003225609.1), dbSNP rs2082391515, ClinGen allele CA354772334.
Genomic context (GRCh38, chr3:141,540,585, plus strand): 5'-CATTATAGGGTAAAGTTCACCTTGAATTAAAACTGAATGAACTGATAACGGAGAATGGAA[C>G]TGTATGCCAGCAGCTTGTTGTACAGTAAGCATTTTTTTTAACCAAAATCAACTAGAAATA-3'
Protein context (NP_006497.2, residues 158-178): KLNELITENG[Thr168Ser]VCQQLVVHIK

ClinVar aggregate classification (germline): Uncertain significance (1 of 4 stars; one submission).

Allele frequency attached by ClinVar (database versions not stated): gnomAD 0.00001; TOPMed 0.00001.

Submission:

Ambry Genetics
Classification: Uncertain significance. Last evaluated: 2023-10-15. Review status: criteria provided, single submitter. Criteria: Ambry Variant Classification Scheme 2023. Collection method: clinical testing. Allele origin: germline.
Comment: The p.T168S variant (also known as c.503C>G), located in coding exon 5 of the RASA2 gene, results from a C to G substitution at nucleotide position 503. The threonine at codon 168 is replaced by serine, an amino acid with similar properties. This amino acid position is conserved. In addition, this alteration is predicted to be tolerated by in silico analysis. Since supporting evidence is limited at this time, the clinical significance of this alteration remains unclear.